The following is an entry in ClinVar:

ClinVar aggregate classification (germline): Conflicting classifications of pathogenicity. Review status: criteria provided, conflicting classifications (1 of 4 stars). 2 submissions from 2 submitters: Likely pathogenic (1); Uncertain significance (1). Last evaluated 2025-04-10.

Conditions:
GLUT1 deficiency syndrome 1, autosomal recessive. Identifiers: MedGen C3149117.
Seizure. Also called: Seizures. Identifiers: MedGen C0036572, HP:0001250.

Submissions (2):

Cytogénomique, Hospices Civils de Lyon
Classification: Likely pathogenic for Seizure. Last evaluated: 2025-04-10. Review status: criteria provided, single submitter. Criteria: ACMG Guidelines, 2015. Collection method: clinical testing. Allele origin: maternal. Affected: yes.

Labcorp Genetics (formerly Invitae), Labcorp
Classification: Uncertain significance for GLUT1 deficiency syndrome 1, autosomal recessive. Last evaluated: 2024-02-22. Review status: criteria provided, single submitter. Criteria: Invitae Variant Classification Sherloc (09022015). Collection method: clinical testing. Allele origin: germline.
Comment: This sequence change replaces proline, which is neutral and non-polar, with arginine, which is basic and polar, at codon 399 of the SLC2A1 protein (p.Pro399Arg). This variant is not present in population databases (gnomAD no frequency). This variant has not been reported in the literature in individuals affected with SLC2A1-related conditions. ClinVar contains an entry for this variant (Variation ID: 1011273). Advanced modeling of protein sequence and biophysical properties (such as structural, functional, and spatial information, amino acid conservation, physicochemical variation, residue mobility, and thermodynamic stability) performed at Invitae indicates that this missense variant is expected to disrupt SLC2A1 protein function with a positive predictive value of 95%. In summary, the available evidence is currently insufficient to determine the role of this variant in disease. Therefore, it has been classified as a Variant of Uncertain Significance.

NM_006516.4(SLC2A1):c.1196C>G (p.Pro399Arg)

Gene: SLC2A1 (solute carrier family 2 member 1; minus strand). Cytogenetic location: 1p34.2.
Variant type: single nucleotide variant.
Coding change: c.1196C>G on transcript NM_006516.4 (MANE Select); coding-DNA position 1196, C replaced by G.
Protein change: p.Pro399Arg; replaces proline 399 with arginine.
Molecular consequence: missense variant.
Genome position (GRCh38, 1-based): chr1:42,927,687, G>C on the plus strand (C>G on the coding strand, the complement: SLC2A1 is on the minus strand). VCF-style: chr1-42927687-G-C. GRCh37 (hg19) VCF-style: chr1-43393358-G-C.
Other names: short protein forms P399R.
Identifiers: ClinVar variation 1011273 (VCV001011273.10), dbSNP rs1643442142, ClinGen allele CA339953864.